The following is an entry in ClinVar:

NM_001291415.2(KDM6A):c.3507T>G (p.Asn1169Lys)

Gene: KDM6A (lysine demethylase 6A; plus strand). Cytogenetic location: Xp11.3.
Variant type: single nucleotide variant.
Coding change: c.3507T>G on transcript NM_001291415.2 (MANE Select); coding-DNA position 3507, T replaced by G.
Protein change: p.Asn1169Lys; replaces asparagine 1169 with lysine.
Molecular consequence: missense variant. On other transcripts: non-coding transcript variant (1).
Genome position (GRCh38, 1-based): chrX:45,083,526, T>G. VCF-style: chrX-45083526-T-G. GRCh37 (hg19) VCF-style: chrX-44942771-T-G.
Other names: c.3372T>G, p.Asn1124Lys (NM_001291416.2); c.3216T>G, p.Asn1072Lys (NM_001291417.2); c.3114T>G, p.Asn1038Lys (NM_001291418.2); c.2463T>G, p.Asn821Lys (NM_001291421.2); c.3351T>G, p.Asn1117Lys (NM_021140.4); short protein forms N1038K, N1072K, N1117K, N1124K, N1169K, N821K.
Identifiers: ClinVar variation 1338499 (VCV001338499.4), dbSNP rs2148152270, ClinGen allele CA412804517.

ClinVar aggregate classification (germline): Likely pathogenic (1 of 4 stars; one submission).

Submission:

Genetic Services Laboratory, University of Chicago
Classification: Likely pathogenic. Last evaluated: 2019-03-20. Review status: criteria provided, single submitter. Criteria: ACMG Guidelines, 2015. Collection method: clinical testing. Allele origin: germline. Affected: yes.
Comment: DNA sequence analysis of the KDM6A gene demonstrated a sequence change, c.3351T>G, that results in an amino acid change, p.Asn1117Lys. This sequence change is absent from large population databases such as ExAC and gnomAD. The p.Asn1117Lys change affects a highly conserved amino acid residue located in the Jumonji C domain of the KDM6A protein; other missense changes have been reported either in or near the Jumonji C domain (B?gershausen et al., 2016; our laboratory, unpublished data). In-silico pathogenicity prediction tools (SIFT, PolyPhen2, Align GVGD, REVEL) provide contradictory results for the p.Asn1117Lys substitution. " DNA sequence analysis of the KDM6A gene demonstrated a sequence change, c.3351T>G, in exon 23 that results in an amino acid change, p.Asn1117Lys. This sequence change is absent from large population databases such as ExAC and gnomAD. The p.Asn1117Lys change affects a highly conserved amino acid residue located in the Jumonji C domain of the KDM6A protein; other missense changes have been reported either in or near the Jumonji C domain (PMID: 27302555; our laboratory, unpublished data). In-silico pathogenicity prediction tools (SIFT, PolyPhen2, Align GVGD, REVEL) provide contradictory results for the p.Asn1117Lys substitution.